The following is an entry in ClinVar:

NM_001267550.2(TTN):c.75966T>G (p.Ile25322Met)

Genes: TTN (titin; minus strand), TTN-AS1 (TTN antisense RNA 1; plus strand). Cytogenetic location: 2q31.2.
Variant type: single nucleotide variant.
Coding change: c.75966T>G on transcript NM_001267550.2 (MANE Select); coding-DNA position 75966, T replaced by G.
Protein change: p.Ile25322Met; replaces isoleucine 25322 with methionine.
Molecular consequence: missense variant.
Genome position (GRCh38, 1-based): chr2:178,570,166, A>C on the plus strand (T>G on the coding strand, the complement: TTN is on the minus strand). VCF-style: chr2-178570166-A-C. GRCh37 (hg19) VCF-style: chr2-179434893-A-C.
Other names: c.71043T>G, p.Ile23681Met (NM_001256850.1); c.48771T>G, p.Ile16257Met (NM_003319.4); c.68262T>G, p.Ile22754Met (NM_133378.4); c.49146T>G, p.Ile16382Met (NM_133432.3); c.49347T>G, p.Ile16449Met (NM_133437.4); short protein forms I16257M, I16382M, I16449M, I22754M, I23681M, I25322M.
Identifiers: ClinVar variation 3766679 (VCV003766679.1).
Genomic context (GRCh38, chr2:178,570,166, plus strand): 5'-CTCAAGAACATATCCAAGAATTTCACTACCACCATCAGATGCTGGTCTTTCCCATACAAC[A>C]ATCATTGAGTCCTTGGTCACTGTTGTGACTTCTGGAGCTTTTGGTGCATCTGGTACTACA-3'
Protein context (NP_001254479.2, residues 25312-25332): EVTTVTKDSM[Ile25322Met]VVWERPASDG

ClinVar aggregate classification (germline): Uncertain significance (1 of 4 stars; one submission).

Submission:

ARUP Laboratories, Molecular Genetics and Genomics, ARUP Laboratories
Classification: Uncertain significance. Last evaluated: 2024-06-21. Review status: criteria provided, single submitter. Criteria: ARUP Molecular Germline Variant Investigation Process 2024. Collection method: clinical testing. Allele origin: germline.
Comment: The TTN c.75966T>G; p.Ile25322Met variant is rare in the general population (<0.2% allele frequency in the Genome Aggregation Database) and has not been reported in the medical literature in association with dilated cardiomyopathy (DCM) or other TTN-related disease. The clinical relevance of rare missense variants in this gene, which are identified on average once per individual sequenced in affected populations (Herman 2012), is not well understood. Yet, evidence suggests that the vast majority of such missense variants do not contribute to the clinical outcome of DCM (Begay 2015). Thus, the clinical significance of the p.Ile25322Met variant cannot be determined with certainty. References: Begay RL et al. Role of Titin Missense Variants in Dilated Cardiomyopathy. J Am Heart Assoc. 2015 Nov 13;4(11). PMID: 26567375. Herman DS et al. Truncations of titin causing dilated cardiomyopathy. N Engl J Med. 2012 Feb 16;366(7):619-28. PMID: 22335739. Linke WA and Hamdani N. Gigantic business: titin properties and function through thick and thin. Circ Res 2014; 114(6): 1052-1068. PMID: 24625729.